The following is an entry in ClinVar:

ClinVar aggregate classification (germline): Uncertain significance (1 of 4 stars; one submission).

Conditions:
Hereditary cancer-predisposing syndrome. Also called: Tumor predisposition; Neoplastic Syndromes, Hereditary; Hereditary Cancer Syndrome; Hereditary neoplastic syndrome. Identifiers: Orphanet 140162, MedGen C0027672, MeSH D009386, MONDO:0015356.

gnomAD v4.1: 1 of 1,613,824 alleles (0.000062%); highest among the groups gnomAD compares: Non-Finnish European, 0.000085%; no homozygotes.

Submission:

Ambry Genetics
Classification: Uncertain significance for Hereditary cancer-predisposing syndrome. Last evaluated: 2025-01-25. Review status: criteria provided, single submitter. Criteria: Ambry Variant Classification Scheme 2023. Collection method: clinical testing. Allele origin: germline.
Comment: The p.S145N variant (also known as c.434G>A), located in coding exon 5 of the MRE11A gene, results from a G to A substitution at nucleotide position 434. The serine at codon 145 is replaced by asparagine, an amino acid with highly similar properties. This amino acid position is conserved. In addition, the in silico prediction for this alteration is inconclusive. Based on the available evidence, the clinical significance of this variant remains unclear.

NM_005591.4(MRE11):c.434G>A (p.Ser145Asn)

Gene: MRE11 (MRE11 double strand break repair nuclease; minus strand). Cytogenetic location: 11q21.
Variant type: single nucleotide variant.
Coding change: c.434G>A on transcript NM_005591.4 (MANE Select); coding-DNA position 434, G replaced by A.
Protein change: p.Ser145Asn; replaces serine 145 with asparagine.
Molecular consequence: missense variant.
Genome position (GRCh38, 1-based): chr11:94,478,845, C>T on the plus strand (G>A on the coding strand, the complement: MRE11 is on the minus strand). VCF-style: chr11-94478845-C-T. GRCh37 (hg19) VCF-style: chr11-94212011-C-T.
Other names: c.434G>A, p.Ser145Asn (NM_001330347.2, NM_005590.4); short protein forms S145N.
Identifiers: ClinVar variation 3874333 (VCV003874333.1).